The following is an entry in ClinVar:

ClinVar aggregate classification (germline): Uncertain significance. Review status: criteria provided, multiple submitters, no conflicts (2 of 4 stars). 2 submissions from 2 submitters: Uncertain significance (2). Last evaluated 2024-04-20.

Conditions:
NPHP3-related Meckel-like syndrome. Also called: GOLDSTON SYNDROME; Meckel syndrome type 7. Identifiers: Orphanet 3032, MedGen C2673885, MONDO:0009966, OMIM 267010.
Nephronophthisis 3 (NPHP3). Also called: Adolescent nephronophthisis. Identifiers: Orphanet 655, MedGen C1858392, MONDO:0011456, OMIM 604387.
Renal-hepatic-pancreatic dysplasia 1 (RHPD1). Identifiers: MedGen C3715199, MONDO:0008833, OMIM 208540.
Nephronophthisis. Also called: Juvenile Nephronophthisis. Identifiers: Orphanet 655, MedGen C0687120, MONDO:0019005, HP:0000090.

Allele frequency attached by ClinVar (database versions not stated): gnomAD exomes below 0.00001 and 0.00001; TOPMed below 0.00001; ExAC 0.00001; gnomAD 0.00002.
gnomAD v4.1: 16 of 1,612,468 alleles (0.00099%); highest among the groups gnomAD compares: African/African-American, 0.0027%; no homozygotes.

Submissions (2):

Fulgent Genetics
Classification: Uncertain significance for Renal-hepatic-pancreatic dysplasia 1; NPHP3-related Meckel-like syndrome; Nephronophthisis 3. Last evaluated: 2024-04-20. Review status: criteria provided, single submitter. Criteria: ACMG Guidelines, 2015. Collection method: clinical testing. Allele origin: germline.

Labcorp Genetics (formerly Invitae), Labcorp
Classification: Uncertain significance for Nephronophthisis. Last evaluated: 2022-07-12. Review status: criteria provided, single submitter. Criteria: Invitae Variant Classification Sherloc (09022015). Collection method: clinical testing. Allele origin: germline.
Comment: In summary, the available evidence is currently insufficient to determine the role of this variant in disease. Therefore, it has been classified as a Variant of Uncertain Significance. Algorithms developed to predict the effect of missense changes on protein structure and function (SIFT, PolyPhen-2, Align-GVGD) all suggest that this variant is likely to be tolerated. ClinVar contains an entry for this variant (Variation ID: 1481419). This variant has not been reported in the literature in individuals affected with NPHP3-related conditions. This variant is present in population databases (no rsID available, gnomAD 0.002%). This sequence change replaces isoleucine, which is neutral and non-polar, with valine, which is neutral and non-polar, at codon 681 of the NPHP3 protein (p.Ile681Val).

NM_153240.5(NPHP3):c.2041A>G (p.Ile681Val)

Genes: NPHP3-ACAD11 (NPHP3-ACAD11 readthrough (NMD candidate); minus strand), NPHP3 (nephrocystin 3; minus strand). Cytogenetic location: 3q22.1.
Variant type: single nucleotide variant.
Coding change: c.2041A>G on transcript NM_153240.5 (MANE Select); coding-DNA position 2041, A replaced by G.
Protein change: p.Ile681Val; replaces isoleucine 681 with valine.
Molecular consequence: missense variant. On other transcripts: non-coding transcript variant (1).
Genome position (GRCh38, 1-based): chr3:132,697,307, T>C on the plus strand (A>G on the coding strand, the complement: NPHP3 is on the minus strand). VCF-style: chr3-132697307-T-C. GRCh37 (hg19) VCF-style: chr3-132416151-T-C.
Other names: short protein forms I681V.
Identifiers: ClinVar variation 1481419 (VCV001481419.5), dbSNP rs1218293876, ClinGen allele CA2622134.